The following is an entry in ClinVar:

ClinVar aggregate classification (germline): Uncertain significance. Review status: criteria provided, multiple submitters, no conflicts (2 of 4 stars). 2 submissions from 2 submitters: Uncertain significance (2). Last evaluated 2026-01-21.

Conditions:
Polycystic kidney disease, adult type (PKD1). Also called: POLYCYSTIC KIDNEY DISEASE, ADULT, TYPE I; Polycystic Kidney Disease 1, Autosomal Dominant; Polycystic kidney disease 1; Polycystic kidney disease 1, severe; Polycystic Kidney, Autosomal Dominant; POLYCYSTIC KIDNEY DISEASE 1 WITH OR WITHOUT POLYCYSTIC LIVER DISEASE. Identifiers: MedGen C3149841, MONDO:0008263, OMIM 173900.

Submissions (2):

Victorian Clinical Genetics Services, Murdoch Childrens Research Institute
Classification: Uncertain significance for Polycystic kidney disease, adult type. Last evaluated: 2026-01-21. Review status: criteria provided, single submitter. Criteria: ACMG Guidelines, 2015. Collection method: clinical testing. Allele origin: germline. Affected: yes.
Comment: This variant is classified as VUS-3A. Evidence in support of pathogenic classification: In-frame deletion in a non-repetitive region that has moderate conservation; Variant is absent from gnomAD (v2, v3 and v4); This variant has limited previous evidence of pathogenicity in unrelated individual(s). This variant has been reported in the literature in two individuals from ADPKD cohorts (PMID: 17582161, 31740684). Additionally, it is classified as a VUS by a clinical laboratory in ClinVar; Other in-frame deletion variants comparable to the one identified in this case have limited previous evidence for pathogenicity. Additionally, p.(Pro2219_Leu2221del) has been classified as a VUS by a clinical laboratory in ClinVar. Additional information: This variant is heterozygous; This gene is associated with autosomal dominant disease. Polycystic kidney disease 1 (MIM#173900) is predominantly caused by monoallelic variants, with rare reports of biallelic variants causing disease (OMIM); No published evidence of segregation with disease has been identified for this variant; No published functional evidence has been identified for this variant; Variant is located in the annotated REJ domain (DECIPHER); Loss of function is a known mechanism of disease in this gene and is associated with polycystic kidney disease 1 (MIM#173900); Inheritance information for this variant is not currently available in this individual.

Juno Genomics, Hangzhou Juno Genomics, Inc
Classification: Uncertain significance for Polycystic kidney disease, adult type. Review status: criteria provided, single submitter. Criteria: ACMG Guidelines, 2015. Collection method: clinical testing. Allele origin: germline. Affected: yes.
Comment: Absent from controls (or at extremely low frequency if recessive) in Genome Aggregation Database, Exome Sequencing Project, 1000 Genomes Project, or Exome Aggregation Consortium.;Protein length changes due to in-frame deletions/insertions in a non-repeat region or stop-loss variants.;The prevalence of the variant in affected individuals is significantly increased compared to the prevalence in controls.;Patient's phenotype or family history is highly specific for a disease with a single genetic etiology.

Literature cited by the submitters: PubMed 31740684 (cited by Victorian Clinical Genetics Services, Murdoch Childrens Research Institute); PubMed 27499327 (cited by Victorian Clinical Genetics Services, Murdoch Childrens Research Institute); PubMed 17582161 (cited by Victorian Clinical Genetics Services, Murdoch Childrens Research Institute).

NM_001009944.3(PKD1):c.6650_6664del (p.Val2217_Leu2221del)

Gene: PKD1 (polycystin 1, transient receptor potential channel interacting; minus strand). Cytogenetic location: 16p13.3.
Variant type: Deletion.
Coding change: c.6650_6664del on transcript NM_001009944.3 (MANE Select); coding-DNA positions 6650 to 6664, 15 bases deleted (TGCTGCCGCGGCTGG).
Protein change: p.Val2217_Leu2221del.
Molecular consequence: inframe deletion.
Genome position (GRCh38, 1-based): chr16:2,108,503-2,108,517, CCAGCCGCGGCAGCA deleted on the plus strand (TGCTGCCGCGGCTGG on the coding strand, the reverse complement: PKD1 is on the minus strand); deleting any 15 consecutive bases within chr16:2,108,503-2,108,524 gives the same sequence; the c. name uses the placement nearest the transcript's 3' end. VCF-style (leftmost placement, unchanged base first): chr16-2108502-GCCAGCCGCGGCAGCA-G. GRCh37 (hg19) VCF-style: chr16-2158503-GCCAGCCGCGGCAGCA-G.
Other names: c.6650_6664del, p.Val2217_Leu2221del (NM_000296.4).
Identifiers: ClinVar variation 3382974 (VCV003382974.3).